The following is an entry in ClinVar:

ClinVar aggregate classification (germline): Conflicting classifications of pathogenicity. Review status: criteria provided, conflicting classifications (1 of 4 stars). 2 submissions from 2 submitters: Uncertain significance (1); Likely benign (1). Last evaluated 2022-01-03.

Conditions:
Cardiovascular phenotype. Identifiers: MedGen CN230736.

Allele frequency attached by ClinVar (database versions not stated): TOPMed 0.00001.

Submissions (2):

GeneDx
Classification: Uncertain significance. Last evaluated: 2022-01-03. Review status: criteria provided, single submitter. Criteria: GeneDx Variant Classification Process June 2021. Collection method: clinical testing. Allele origin: germline. Affected: yes.
Comment: Has not been previously published as pathogenic or benign to our knowledge; Not observed at significant frequency in large population cohorts (gnomAD); In silico analysis supports that this missense variant does not alter protein structure/function; Located in exon 38, which is reported as being expressed in a brain-specific transcript (Otto et al, 1991; Cunha et al, 2008; Wu et al, 2015)

Ambry Genetics
Classification: Likely benign for Cardiovascular phenotype. Last evaluated: 2021-03-15. Review status: criteria provided, single submitter. Criteria: Ambry Variant Classification Scheme 2023. Collection method: clinical testing. Allele origin: germline.

NM_001148.6(ANK2):c.4940G>A (p.Cys1647Tyr)

Gene: ANK2 (ankyrin 2; plus strand). Cytogenetic location: 4q26.
Variant type: single nucleotide variant.
Coding change: c.4940G>A on transcript NM_001148.6 (MANE Select); coding-DNA position 4940, G replaced by A.
Protein change: p.Cys1647Tyr; replaces cysteine 1647 with tyrosine.
Molecular consequence: missense variant. On other transcripts: intron variant (68).
Genome position (GRCh38, 1-based): chr4:113,353,558, G>A. VCF-style: chr4-113353558-G-A. GRCh37 (hg19) VCF-style: chr4-114274714-G-A.
Other names: c.4706G>A, p.Cys1569Tyr (NM_001386142.1); c.1340G>A, p.Cys447Tyr (NM_001386166.1); c.5081G>A, p.Cys1694Tyr (NM_001386174.1); c.5057G>A, p.Cys1686Tyr (NM_001386175.1); c.4411+3309G>A (NM_001386186.2, NM_001386148.2); c.4213+3309G>A (NM_001354269.3); c.4291+3309G>A (NM_001386187.2); c.4252+3309G>A (NM_001386147.1); and 35 more; short protein forms C1569Y, C1647Y, C1686Y, C1694Y, C447Y.
Identifiers: ClinVar variation 1693441 (VCV001693441.4), dbSNP rs2095548237, ClinGen allele CA357917427.